The following is an entry in ClinVar:

Conditions:
Breast-ovarian cancer, familial, susceptibility to, 1 (BROVCA1). Also called: BRCA1 Hereditary Breast and Ovarian Cancer; OVARIAN CANCER, SUSCEPTIBILITY TO. Identifiers: Orphanet 145, MedGen C2676676, MONDO:0011450, OMIM 604370. Disease mechanism: loss of function.

Submission:

Brotman Baty Institute, University of Washington
No classification provided (evidence only). Condition: Breast-ovarian cancer, familial 1. Review status: no classification provided. Collection method: in vitro. Allele origin: not applicable. Functional consequence: functionally_normal.
ClinVar note: "not provided" was previously submitted as the classification for the variant. However, the classification appeared to be based only on an observation of functional data so it was converted to no classification on 2025-07-30.

NM_007294.4(BRCA1):c.5395A>C (p.Thr1799Pro)

Gene: BRCA1 (BRCA1 DNA repair associated; minus strand). Cytogenetic location: 17q21.31.
Variant type: single nucleotide variant.
Coding change: c.5395A>C on transcript NM_007294.4 (MANE Select); coding-DNA position 5395, A replaced by C.
Protein change: p.Thr1799Pro; replaces threonine 1799 with proline.
Molecular consequence: missense variant. On other transcripts: non-coding transcript variant (1), intron variant (1).
Genome position (GRCh38, 1-based): chr17:43,049,132, T>G on the plus strand (A>C on the coding strand, the complement: BRCA1 is on the minus strand). VCF-style: chr17-43049132-T-G. GRCh37 (hg19) VCF-style: chr17-41201149-T-G.
Other names: c.5314A>C, p.Thr1772Pro (NM_001407656.1, NM_001407657.1, NM_001407658.1); c.5311A>C, p.Thr1771Pro (NM_001407659.1, NM_001407660.1, NM_001407661.1 and 2 more transcripts); c.5269A>C, p.Thr1757Pro (NM_001407671.1, NM_001407672.1, NM_001407673.1 and 8 more transcripts); c.5263A>C, p.Thr1755Pro (NM_001407691.1, NM_001407690.1); c.5254A>C, p.Thr1752Pro (NM_001407692.1, NM_001407694.1, NM_001407695.1 and 12 more transcripts); c.5251A>C, p.Thr1751Pro (NM_001407736.1, NM_001407737.1, NM_001407738.1 and 18 more transcripts); c.5248A>C, p.Thr1750Pro (NM_001407841.1, NM_001407842.1, NM_001407843.1 and 12 more transcripts); c.5185A>C, p.Thr1729Pro (NM_001407882.1, NM_001407884.1, NM_001407885.1 and 5 more transcripts); and 73 more; short protein forms T695P, T1752P, T1799P, T1820P, T1670P, T1672P, T1688P, T1729P.
Identifiers: ClinVar variation 868048 (VCV000868048.3), dbSNP rs2051075653, ClinGen allele CA10590686.